The following is an entry in ClinVar:

ClinVar aggregate classification (germline): Pathogenic (1 of 4 stars; one submission).

Submission:

Labcorp Genetics (formerly Invitae), Labcorp
Classification: Pathogenic. Last evaluated: 2022-07-30. Review status: criteria provided, single submitter. Criteria: Invitae Variant Classification Sherloc (09022015). Collection method: clinical testing. Allele origin: germline.
Comment: This variant is not present in population databases (gnomAD no frequency). For these reasons, this variant has been classified as Pathogenic. This variant has not been reported in the literature in individuals affected with COQ6-related conditions. This sequence change creates a premature translational stop signal (p.Thr34Argfs*3) in the COQ6 gene. It is expected to result in an absent or disrupted protein product. Loss-of-function variants in COQ6 are known to be pathogenic (PMID: 21540551, 24140869).

Literature cited by the submitters: PubMed 21540551; PubMed 24140869.

NM_182476.3(COQ6):c.100_101del (p.Thr34fs)

Gene: COQ6 (coenzyme Q6, monooxygenase; plus strand). Cytogenetic location: 14q24.3.
Variant type: Microsatellite.
Coding change: c.100_101del on transcript NM_182476.3 (MANE Select); coding-DNA positions 100 to 101, 2 bases deleted (AC; older notation c.100_101delAC).
Protein change: p.Thr34fs; shifts the reading frame from threonine 34.
Molecular consequence: frameshift variant. On other transcripts: intron variant (1).
Genome position (GRCh38, 1-based): chr14:73,950,432-73,950,433, AC deleted; deleting any 2 consecutive bases within chr14:73,950,430-73,950,433 gives the same sequence; the c. name uses the placement nearest the transcript's 3' end. VCF-style (leftmost placement, unchanged base first): chr14-73950429-GAC-G. GRCh37 (hg19) VCF-style: chr14-74417132-GAC-G.
Other names: c.88+252_88+253del (NM_182480.3); short protein forms T34fs.
Identifiers: ClinVar variation 2020674 (VCV002020674.4), dbSNP rs2502957637, ClinGen allele CA2580613717.